The following is an entry in ClinVar:

ClinVar aggregate classification (germline): Likely benign. Review status: criteria provided, multiple submitters, no conflicts (2 of 4 stars). 3 submissions from 3 submitters: Likely benign (3). Last evaluated 2026-04-01.

Conditions:
Dilated cardiomyopathy 1G (CMD1G). Identifiers: Orphanet 154, MedGen C1858763, MONDO:0011400, OMIM 604145.
Autosomal recessive limb-girdle muscular dystrophy type 2J (LGMDR10). Also called: Limb-girdle muscular dystrophy, type 2J; MUSCULAR DYSTROPHY, LIMB-GIRDLE, AUTOSOMAL RECESSIVE 10. Identifiers: Orphanet 140922, MedGen C1837342, MONDO:0012127, OMIM 608807.
Cardiovascular phenotype. Identifiers: MedGen CN230736.

Allele frequency attached by ClinVar (database versions not stated): gnomAD exomes below 0.00001.
gnomAD v4.1: 2 of 1,613,876 alleles (0.00012%); highest among the groups gnomAD compares: Admixed American, 0.0017%; no homozygotes.

Submissions (3):

CeGaT Center for Human Genetics Tuebingen
Classification: Likely benign. Last evaluated: 2026-04-01. Review status: criteria provided, single submitter. Criteria: CeGaT Center For Human Genetics Tuebingen Variant Classification Criteria Version 2. Collection method: clinical testing. Allele origin: germline. Affected: yes. Observed: 1 variant allele.
Comment: TTN: BP4, BP7

Labcorp Genetics (formerly Invitae), Labcorp
Classification: Likely benign for Dilated cardiomyopathy 1G; Autosomal recessive limb-girdle muscular dystrophy type 2J. Last evaluated: 2023-08-17. Review status: criteria provided, single submitter. Criteria: Invitae Variant Classification Sherloc (09022015). Collection method: clinical testing. Allele origin: germline.

Ambry Genetics
Classification: Likely benign for Cardiovascular phenotype. Last evaluated: 2020-12-10. Review status: criteria provided, single submitter. Criteria: Ambry Variant Classification Scheme 2023. Collection method: clinical testing. Allele origin: germline.

NM_001267550.2(TTN):c.96610T>C (p.Leu32204=)

Genes: TTN (titin; minus strand), TTN-AS1 (TTN antisense RNA 1; plus strand), LOC126806421 (CDK7 strongly-dependent group 2 enhancer GRCh37_chr2:179407630-179408829; plus strand). Cytogenetic location: 2q31.2.
Variant type: single nucleotide variant.
Coding change: c.96610T>C on transcript NM_001267550.2 (MANE Select); coding-DNA position 96610, T replaced by C.
Protein change: p.Leu32204=; no amino-acid change (leucine 32204 retained).
Molecular consequence: synonymous variant.
Genome position (GRCh38, 1-based): chr2:178,543,363, A>G on the plus strand (T>C on the coding strand, the complement: TTN is on the minus strand). VCF-style: chr2-178543363-A-G. GRCh37 (hg19) VCF-style: chr2-179408090-A-G.
Other names: c.91687T>C, p.Leu30563= (NM_001256850.1); c.69415T>C, p.Leu23139= (NM_003319.4); c.88906T>C, p.Leu29636= (NM_133378.4); c.69790T>C, p.Leu23264= (NM_133432.3); c.69991T>C, p.Leu23331= (NM_133437.4).
Identifiers: ClinVar variation 725917 (VCV000725917.10), dbSNP rs1419384451, ClinGen allele CA430241505.